The following is an entry in ClinVar:

NM_000348.4(SRD5A2):c.100G>C (p.Gly34Arg)

Gene: SRD5A2 (steroid 5 alpha-reductase 2; minus strand). Cytogenetic location: 2p23.1.
Variant type: single nucleotide variant.
Coding change: c.100G>C on transcript NM_000348.4 (MANE Select); coding-DNA position 100, G replaced by C.
Protein change: p.Gly34Arg; replaces glycine 34 with arginine.
Molecular consequence: missense variant.
Genome position (GRCh38, 1-based): chr2:31,580,801, C>G on the plus strand (G>C on the coding strand, the complement: SRD5A2 is on the minus strand). VCF-style: chr2-31580801-C-G. GRCh37 (hg19) VCF-style: chr2-31805871-C-G.
Other names: short protein forms G34R.
Identifiers: ClinVar variation 830332 (VCV000830332.8), dbSNP rs782032018, ClinGen allele CA346599107.

ClinVar aggregate classification (germline): Pathogenic. Review status: criteria provided, multiple submitters, no conflicts (2 of 4 stars). 2 submissions from 2 submitters: Pathogenic (2). Last evaluated 2023-04-28.

Conditions:
3-Oxo-5 alpha-steroid delta 4-dehydrogenase deficiency (PPSH). Also called: FAMILIAL INCOMPLETE MALE PSEUDOHERMAPHRODITISM, TYPE 2; MALE PSEUDOHERMAPHRODITISM DUE TO 5-ALPHA-REDUCTASE DEFICIENCY; 46,XY disorder of sex development due to 5-alpha-reductase 2 deficiency; PSEUDOVAGINAL PERINEOSCROTAL HYPOSPADIAS. Identifiers: Orphanet 753, MedGen C0268297, MONDO:0009923, OMIM 264600. Disease mechanism: loss of function.

gnomAD v4.1: 2 of 1,612,446 alleles (0.00012%); highest among the groups gnomAD compares: East Asian, 0.0022%; no homozygotes.

Submissions (2):

Labcorp Genetics (formerly Invitae), Labcorp
Classification: Pathogenic for 3-Oxo-5 alpha-steroid delta 4-dehydrogenase deficiency. Last evaluated: 2023-04-28. Review status: criteria provided, single submitter. Criteria: Invitae Variant Classification Sherloc (09022015). Collection method: clinical testing. Allele origin: germline.
Comment: For these reasons, this variant has been classified as Pathogenic. Experimental studies have shown that this missense change affects SRD5A2 function (PMID: 1522235). Advanced modeling of protein sequence and biophysical properties (such as structural, functional, and spatial information, amino acid conservation, physicochemical variation, residue mobility, and thermodynamic stability) performed at Invitae indicates that this missense variant is expected to disrupt SRD5A2 protein function. ClinVar contains an entry for this variant (Variation ID: 830332). This missense change has been observed in individual(s) with steroid-5 alpha-reductase deficiency (PMID: 1522235, 12699446, 30132287, 31186340, 33742552). This variant is not present in population databases (gnomAD no frequency). This sequence change replaces glycine, which is neutral and non-polar, with arginine, which is basic and polar, at codon 34 of the SRD5A2 protein (p.Gly34Arg).

Diagnostics Services (NGS), CSIR - Centre For Cellular And Molecular Biology
Classification: Pathogenic for 3-Oxo-5 alpha-steroid delta 4-dehydrogenase deficiency. Last evaluated: 2019-08-21. Review status: criteria provided, single submitter. Criteria: ACMG Guidelines, 2015. Collection method: clinical testing. Allele origin: unknown. Inheritance: Autosomal recessive inheritance. Affected: yes. Observed: 1 heterozygote.
Comment: The c.100G>C variant is absent in most of the publicly available databases like 1000 Genomes, Exome Variant Server, Genome Aggregation Database however present in Exome Aggregation Consortium and dbSNP at a very low minor allele frequency (MAF<0.0001) and only in heterozygous state. The variant is not present in our in-house exome database. Although this variant was not reported earlier in OMIM, ClinVar and HGMD databases, a different nucleotide change (c.100G>A) in the same location resulting same amino acid change (Gly34Arg) was reported earlier as pathogenic in multiple individuals with similar phenotype (HGMD ID- CM920630; ClinVar Accession ID- VCV000372518.1). Predictions from in-silico pathogenicity prediction programs like SIFT, Polyphen2, Mutation Taster2, CADD etc. are contradictory. Since there are multiple reports of this variant in association with the present phenotype, the variant has been classified as pathogenic as per ACMG guidelines. The variant was observed as compound heterozygous state along with an another pathogenic variant in SRD5A2 gene (ClinVar Accession ID- VCV000459645.1; HGMD ID- CM920644).

Literature cited by the submitters: PubMed 1522235 (cited by Labcorp Genetics (formerly Invitae), Labcorp); PubMed 12699446 (cited by Labcorp Genetics (formerly Invitae), Labcorp); PubMed 30132287 (cited by Labcorp Genetics (formerly Invitae), Labcorp); PubMed 31186340 (cited by Labcorp Genetics (formerly Invitae), Labcorp); PubMed 33742552 (cited by Labcorp Genetics (formerly Invitae), Labcorp).